The following is an entry in ClinVar:

NM_004667.6(HERC2):c.4324T>C (p.Cys1442Arg)

Gene: HERC2 (HECT and RLD domain containing E3 ubiquitin protein ligase 2; minus strand). Cytogenetic location: 15q13.1.
Variant type: single nucleotide variant.
Coding change: c.4324T>C on transcript NM_004667.6 (MANE Select); coding-DNA position 4324, T replaced by C.
Protein change: p.Cys1442Arg; replaces cysteine 1442 with arginine.
Molecular consequence: missense variant.
Genome position (GRCh38, 1-based): chr15:28,233,691, A>G on the plus strand (T>C on the coding strand, the complement: HERC2 is on the minus strand). VCF-style: chr15-28233691-A-G. GRCh37 (hg19) VCF-style: chr15-28478837-A-G.
Other names: short protein forms C1442R.
Identifiers: ClinVar variation 4879238 (VCV004879238.1).
Genomic context (GRCh38, chr15:28,233,691, plus strand): 5'-GTACCTAAAGTACACAGATATCGAGCTCCTTACCTAAATCTTCATGTTTTAAGAGGCAAC[A>G]TAACAACAAGCGACCGACCTCTTCCACGGGATGCTCGGGGGGAAACATGATCGGTGTGGT-3'
Protein context (NP_004658.3, residues 1432-1452): PVEEVGRLLL[Cys1442Arg]CLLKHEDLGH

ClinVar aggregate classification (germline): Uncertain significance (1 of 4 stars; one submission).

Conditions:
Developmental delay with autism spectrum disorder and gait instability (MRT38). Also called: Intellectual developmental disorder, autosomal recessive 38. Identifiers: Orphanet 329195, MedGen C3809753, MONDO:0014224, OMIM 615516.

gnomAD v4.1: 2 of 1,613,894 alleles (0.00012%); highest among the groups gnomAD compares: African/African-American, 0.0013%; no homozygotes.

Submission:

Clinical Genomics Laboratory, Washington University in St. Louis
Classification: Uncertain significance for Developmental delay with autism spectrum disorder and gait instability. Last evaluated: 2026-02-22. Review status: criteria provided, single submitter. Criteria: ACMG Guidelines, 2015. Collection method: clinical testing. Allele origin: germline.
Comment: The HERC2 c.4324T>C (p.Cys1442Arg) variant, to our knowledge, has not been reported in the medical literature. This variant is absent from the general population (gnomAD v2.1.1), indicating it is not a common variant. Computational predictors are uncertain as to the impact of this variant on HERC2 function. Due to limited information, and based on ACMG/AMP guidelines for variant interpretation (Richards S et al., PMID: 25741868), the clinical significance of this variant is uncertain at this time.